The following is an entry in ClinVar:

ClinVar aggregate classification (germline): Likely benign. Review status: criteria provided, multiple submitters, no conflicts (2 of 4 stars). 2 submissions from 2 submitters: Likely benign (2). Last evaluated 2024-08-20.

Allele frequency attached by ClinVar (database versions not stated): gnomAD 0.00001; ExAC 0.00002; TOPMed 0.00003.
gnomAD v4.1: 13 of 1,614,036 alleles (0.00081%); highest among the groups gnomAD compares: African/African-American, 0.0013%; no homozygotes.

Submissions (2):

Blueprint Genetics
Classification: Likely benign. Last evaluated: 2024-08-20. Review status: criteria provided, single submitter. Criteria: ACMG Guidelines, 2015. Collection method: clinical testing. Allele origin: germline.

CeGaT Center for Human Genetics Tuebingen
Classification: Likely benign. Last evaluated: 2023-04-01. Review status: criteria provided, single submitter. Criteria: CeGaT Center For Human Genetics Tuebingen Variant Classification Criteria Version 2. Collection method: clinical testing. Allele origin: germline. Affected: yes. Observed: 1 variant allele.
Comment: SPEN: BP4, BP7

NM_015001.3(SPEN):c.6522C>T (p.Ala2174=)

Gene: SPEN (spen family transcriptional repressor; plus strand). Cytogenetic location: 1p36.13.
Variant type: single nucleotide variant.
Coding change: c.6522C>T on transcript NM_015001.3 (MANE Select); coding-DNA position 6522, C replaced by T.
Protein change: p.Ala2174=; no amino-acid change (alanine 2174 retained).
Molecular consequence: synonymous variant.
Genome position (GRCh38, 1-based): chr1:15,932,762, C>T. VCF-style: chr1-15932762-C-T. GRCh37 (hg19) VCF-style: chr1-16259257-C-T.
Identifiers: ClinVar variation 2638328 (VCV002638328.25), dbSNP rs770279485, ClinGen allele CA619939.